The following is an entry in ClinVar:

NM_024301.5(FKRP):c.11C>G (p.Thr4Ser)

Gene: FKRP (fukutin related protein; plus strand). Cytogenetic location: 19q13.32.
Variant type: single nucleotide variant.
Coding change: c.11C>G on transcript NM_024301.5 (MANE Select); coding-DNA position 11, C replaced by G.
Protein change: p.Thr4Ser; replaces threonine 4 with serine.
Molecular consequence: missense variant.
Genome position (GRCh38, 1-based): chr19:46,755,461, C>G. VCF-style: chr19-46755461-C-G. GRCh37 (hg19) VCF-style: chr19-47258718-C-G.
Other names: c.11C>G, p.Thr4Ser (NM_001039885.3); short protein forms T4S.
Identifiers: ClinVar variation 290603 (VCV000290603.34), dbSNP rs771333733, ClinGen allele CA9532092.

ClinVar aggregate classification (germline): Uncertain significance. Review status: criteria provided, multiple submitters, no conflicts (2 of 4 stars). 13 submissions from 13 submitters: Uncertain significance (12). 1 of the submissions does not count toward it. Last evaluated 2025-12-10.

Conditions:
Walker-Warburg congenital muscular dystrophy. Also called: Muscular dystrophy-dystroglycanopathy, type A; Walker-Warburg syndrome. Identifiers: Orphanet 899, MedGen C0265221, MONDO:0000171.
Muscular dystrophy-dystroglycanopathy type B5 (MDDGB5). Also called: MUSCULAR DYSTROPHY, CONGENITAL, 1C; MUSCULAR DYSTROPHY, CONGENITAL, FKRP-RELATED; MUSCULAR DYSTROPHY-DYSTROGLYCANOPATHY (CONGENITAL WITH OR WITHOUT IMPAIRED INTELLECTUAL DEVELOPMENT), TYPE B, 5. Identifiers: MedGen C1847759, MONDO:0011688, OMIM 606612.
Autosomal recessive limb-girdle muscular dystrophy type 2I. Also called: MUSCULAR DYSTROPHY, LIMB-GIRDLE, TYPE 2I; MUSCULAR DYSTROPHY-DYSTROGLYCANOPATHY (LIMB-GIRDLE), TYPE C, 5; MUSCULAR DYSTROPHY-DYSTROGLYCANOPATHY, LIMB-GIRDLE, FRKP-RELATED. Identifiers: Orphanet 34515, MedGen C1846672, MONDO:0011787, OMIM 607155.
Muscular dystrophy-dystroglycanopathy (congenital with brain and eye anomalies), type A5. Also called: MUSCULAR DYSTROPHY-DYSTROGLYCANOPATHY (CONGENITAL WITH BRAIN AND EYE ANOMALIES), TYPE A, 5; WALKER-WARBURG SYNDROME OR MUSCLE-EYE-BRAIN DISEASE, FKRP-RELATED. Identifiers: Orphanet 588, Orphanet 899, MedGen C3150413, MONDO:0013157, OMIM 613153.
Muscular dystrophy-dystroglycanopathy (congenital with brain and eye anomalies), type A1 (MDDGA1). Also called: COD-MD SYNDROME; WALKER-WARBURG SYNDROME OR MUSCLE-EYE-BRAIN DISEASE, POMT1-RELATED; Hydrocephalus, agyria and retinal dysplasia; Hard +/- E syndrome; Warburg syndrome; Chemke syndrome. Identifiers: Orphanet 588, Orphanet 899, MedGen C4284790, MONDO:0009364, OMIM 236670.
Myopathy caused by variation in FKRP. Identifiers: MedGen CN305637, MONDO:0700066.
Cardiovascular phenotype. Identifiers: MedGen CN230736.

Allele frequency attached by ClinVar (database versions not stated): gnomAD exomes 0.00006 and 0.00011; ExAC 0.00008; TOPMed 0.00013.
gnomAD v4.1: 115 of 1,606,848 alleles (0.0072%); highest among the groups gnomAD compares: Middle Eastern, 0.066%; no homozygotes.

Submissions (13):

Ambry Genetics
Classification: Uncertain significance for Cardiovascular phenotype. Last evaluated: 2025-12-10. Review status: criteria provided, single submitter. Criteria: Ambry Variant Classification Scheme 2023. Collection method: clinical testing. Allele origin: germline.
Comment: The p.T4S variant (also known as c.11C>G), located in coding exon 1 of the FKRP gene, results from a C to G substitution at nucleotide position 11. The threonine at codon 4 is replaced by serine, an amino acid with similar properties. This amino acid position is well conserved in available vertebrate species; however, serine is the reference amino acid in other vertebrate species. In addition, the in silico prediction for this alteration is inconclusive. Since supporting evidence is limited at this time, the clinical significance of this alteration remains unclear.

Myriad Genetics, Inc.
Classification: Uncertain significance for Myopathy caused by variation in FKRP. Last evaluated: 2025-07-24. Review status: criteria provided, single submitter. Criteria: Myriad Autosomal Dominant, Autosomal Recessive and X-Linked Classification Criteria (2023). Collection method: clinical testing. Allele origin: unknown.
Comment: NM_024301.4(FKRP):c.11C>G(T4S) is a missense variant classified as a variant of uncertain significance in the context of FKRP-related disorders. T4S has been observed in a case with relevant disease (PMID: 39678382). Relevant functional assessments of this variant are not available in the literature. T4S has been observed in referenced population frequency databases. In summary, there is insufficient evidence to classify NM_024301.4(FKRP):c.11C>G(T4S) as pathogenic or benign. Please note: this variant was assessed in the context of healthy population screening.

Women's Health and Genetics/Laboratory Corporation of America, LabCorp
Classification: Uncertain significance. Last evaluated: 2024-09-29. Review status: criteria provided, single submitter. Criteria: LabCorp Variant Classification Summary - May 2015. Collection method: clinical testing. Allele origin: germline.

Revvity Omics, Revvity
Classification: Uncertain significance. Last evaluated: 2024-07-02. Review status: criteria provided, single submitter. Criteria: ACMG Guidelines, 2015. Collection method: clinical testing. Allele origin: germline.

Labcorp Genetics (formerly Invitae), Labcorp
Classification: Uncertain significance for Walker-Warburg congenital muscular dystrophy. Last evaluated: 2022-10-13. Review status: criteria provided, single submitter. Criteria: Invitae Variant Classification Sherloc (09022015). Collection method: clinical testing. Allele origin: germline.
Comment: This sequence change replaces threonine, which is neutral and polar, with serine, which is neutral and polar, at codon 4 of the FKRP protein (p.Thr4Ser). This variant is present in population databases (rs771333733, gnomAD 0.06%). This variant has not been reported in the literature in individuals affected with FKRP-related conditions. ClinVar contains an entry for this variant (Variation ID: 290603). Advanced modeling of protein sequence and biophysical properties (such as structural, functional, and spatial information, amino acid conservation, physicochemical variation, residue mobility, and thermodynamic stability) performed at Invitae indicates that this missense variant is not expected to disrupt FKRP protein function. In summary, the available evidence is currently insufficient to determine the role of this variant in disease. Therefore, it has been classified as a Variant of Uncertain Significance.

Clinical Genomics Laboratory, Stanford Medicine
Classification: Uncertain significance for Muscular dystrophy-dystroglycanopathy (congenital with brain and eye anomalies), type A5; Muscular dystrophy-dystroglycanopathy type B5; Autosomal recessive limb-girdle muscular dystrophy type 2I. Last evaluated: 2022-04-18. Review status: criteria provided, single submitter. Criteria: ACMG Guidelines, 2015. Collection method: clinical testing. Allele origin: germline. Observed: 1 variant allele, 1 heterozygote.
Comment: The p.Thr4Ser variant in the FKRP gene has not been previously reported in association with disease.This variant has also been identified in 10/35,002 Latino/Admixed American chromosomes by the Genome Aggregation Database. Although this variant has been seen in the general population, its frequency is low enough to be consistent with a recessive carrier frequency.Computational tools predict that this variant is deleterious; however, the accuracy of in silico algorithms is limited.These data were assessed using the ACMG/AMP variant interpretation guidelines. In summary, the significance of the p.Thr4Ser variant is uncertain. Additional information is needed to resolve the significance of this variant. [ACMG evidence codes used: PM2; PP3]

Fulgent Genetics
Classification: Uncertain significance for Muscular dystrophy-dystroglycanopathy (congenital with brain and eye anomalies), type A1; Muscular dystrophy-dystroglycanopathy type B5; Autosomal recessive limb-girdle muscular dystrophy type 2I; Muscular dystrophy-dystroglycanopathy (congenital with brain and eye anomalies), type A5. Last evaluated: 2022-02-18. Review status: criteria provided, single submitter. Criteria: ACMG Guidelines, 2015. Collection method: clinical testing. Allele origin: unknown.

GeneDx
Classification: Uncertain significance. Last evaluated: 2021-03-16. Review status: criteria provided, single submitter. Criteria: GeneDx Variant Classification Process June 2021. Collection method: clinical testing. Allele origin: germline. Affected: yes.
Comment: Has not been previously published as pathogenic or benign to our knowledge; In silico analysis, which includes protein predictors and evolutionary conservation, supports that this variant does not alter protein structure/function; The majority of missense variants in this gene are considered pathogenic (Stenson et al., 2014)

Mayo Clinic Laboratories, Mayo Clinic
Classification: Uncertain significance. Last evaluated: 2020-03-25. Review status: criteria provided, single submitter. Criteria: ACMG Guidelines, 2015. Collection method: clinical testing. Allele origin: germline. Observed: 1 variant allele.

Athena Diagnostics
Classification: Uncertain significance. Last evaluated: 2016-12-28. Review status: criteria provided, single submitter. Criteria: Athena Diagnostics Criteria. Collection method: clinical testing. Allele origin: germline.

Eurofins Ntd Llc (ga)
Classification: Uncertain significance. Last evaluated: 2016-09-14. Review status: criteria provided, single submitter. Criteria: EGL Classification Definitions 2015. Collection method: clinical testing. Allele origin: germline. Observed: 1 variant allele, 1 heterozygote.

Genetic Services Laboratory, University of Chicago
Classification: Uncertain significance. Last evaluated: 2015-09-14. Review status: criteria provided, single submitter. Criteria: ACMG Guidelines, 2015. Collection method: clinical testing. Allele origin: germline. Affected: no.

Natera, Inc.
Classification: Uncertain significance for Limb-girdle muscular dystrophy type 2I. Last evaluated: 2020-01-12. Review status: no assertion criteria provided. Collection method: clinical testing. Allele origin: germline. Not counted in ClinVar's aggregate classification.

Literature cited by the submitters: PubMed 39678382 (cited by Myriad Genetics, Inc.).